The following is an entry in ClinVar:

NM_004991.4(MECOM):c.2377A>G (p.Lys793Glu)

Gene: MECOM (MDS1 and EVI1 complex locus; minus strand). Cytogenetic location: 3q26.2.
Variant type: single nucleotide variant.
Coding change: c.2377A>G on transcript NM_004991.4 (MANE Select); coding-DNA position 2377, A replaced by G.
Protein change: p.Lys793Glu; replaces lysine 793 with glutamic acid.
Molecular consequence: missense variant.
Genome position (GRCh38, 1-based): chr3:169,115,495, T>C on the plus strand (A>G on the coding strand, the complement: MECOM is on the minus strand). VCF-style: chr3-169115495-T-C. GRCh37 (hg19) VCF-style: chr3-168833283-T-C.
Other names: c.2008A>G, p.Lys670Glu (NM_001105077.4); c.1813A>G, p.Lys605Glu (NM_001105078.4, NM_001164000.2, NM_001205194.2 and 4 more transcripts); c.1816A>G, p.Lys606Glu (NM_001163999.2, NM_001366467.2, NM_001366468.2 and 1 more transcripts); c.2377A>G, p.Lys793Glu (NM_001366466.2); c.1405A>G, p.Lys469Glu (NM_001366473.2); c.841A>G, p.Lys281Glu (NM_001366474.2); short protein forms K281E, K793E, K606E, K469E, K670E, K605E.
Identifiers: ClinVar variation 3871619 (VCV003871619.1).

ClinVar aggregate classification (germline): Uncertain significance (1 of 4 stars; one submission).

Conditions:
Inborn genetic diseases. Identifiers: MedGen C0950123, MeSH D030342.

gnomAD v4.1: 1 of 1,614,176 alleles (0.000062%); highest among the groups gnomAD compares: Non-Finnish European, 0.000085%; no homozygotes.

Submission:

Ambry Genetics
Classification: Uncertain significance for Inborn genetic diseases. Last evaluated: 2024-12-16. Review status: criteria provided, single submitter. Criteria: Ambry Variant Classification Scheme 2023. Collection method: clinical testing. Allele origin: germline.
Comment: The p.K793E variant (also known as c.2377A>G), located in coding exon 8 of the MECOM gene, results from an A to G substitution at nucleotide position 2377. The lysine at codon 793 is replaced by glutamic acid, an amino acid with similar properties. This amino acid position is conserved. In addition, the in silico prediction for this alteration is inconclusive. Based on the available evidence, the clinical significance of this variant remains unclear.